The following is an entry in ClinVar:

ClinVar aggregate classification (germline): Pathogenic/Likely pathogenic. Review status: criteria provided, multiple submitters, no conflicts (2 of 4 stars). 15 submissions from 15 submitters: Pathogenic (8); Likely pathogenic (3). 4 of the submissions do not count toward it. Last evaluated 2026-01-31.

Conditions:
Hereditary cancer-predisposing syndrome. Also called: Neoplastic Syndromes, Hereditary; Hereditary neoplastic syndrome; Tumor predisposition; Hereditary Cancer Syndrome. Identifiers: Orphanet 140162, MedGen C0027672, MeSH D009386, MONDO:0015356.
ATM-related cancer predisposition. Also called: ATM-related cancer susceptibility. Identifiers: MedGen CN377759, MONDO:0700270.
Familial cancer of breast. Also called: hereditary breast carcinoma; Hereditary breast cancer; BREAST CANCER, FAMILIAL. Identifiers: Orphanet 227535, MedGen C0346153, MONDO:0016419, OMIM 114480. Disease mechanism: loss of function.
Ataxia-telangiectasia syndrome (AT). Also called: Ataxia telangiectasia (A-T); Cerebello-oculocutaneous telangiectasia; Immunodeficiency with ataxia telangiectasia; LOUIS-BAR SYNDROME; AT, COMPLEMENTATION GROUP C; ATAXIA-TELANGIECTASIA, FRESNO VARIANT. Identifiers: Orphanet 100, MedGen C0004135, MONDO:0008840, OMIM 208900.

gnomAD v4.1: 2 of 1,614,166 alleles (0.00012%); highest among the groups gnomAD compares: Non-Finnish European, 0.00017%; no homozygotes.

Submissions (15):

Labcorp Genetics (formerly Invitae), Labcorp
Classification: Pathogenic for Ataxia-telangiectasia syndrome. Last evaluated: 2026-01-31. Review status: criteria provided, single submitter. Criteria: Invitae Variant Classification Sherloc (09022015). Collection method: clinical testing. Allele origin: germline.
Comment: This sequence change affects an acceptor splice site in intron 62 of the ATM gene. RNA analysis indicates that disruption of this splice site induces altered splicing and likely disrupts the C-terminus of the protein. This variant is not present in population databases (gnomAD no frequency). Disruption of this splice site has been observed in individual(s) with ataxia-telangiectasia (PMID: 12552559, 27664052). In at least one individual the data is consistent with being in trans (on the opposite chromosome) from a pathogenic variant. ClinVar contains an entry for this variant (Variation ID: 219587). Studies have shown that disruption of this splice site results in activation of a cryptic splice site and introduces a new termination codon (internal data). However the mRNA is not expected to undergo nonsense-mediated decay. For these reasons, this variant has been classified as Pathogenic.

Color Diagnostics, LLC DBA Color Health
Classification: Pathogenic for Hereditary cancer-predisposing syndrome. Last evaluated: 2025-12-15. Review status: criteria provided, single submitter. Criteria: ACMG Guidelines, 2015. Collection method: clinical testing. Allele origin: germline.
Comment: This variant causes a G to A nucleotide substitution at the canonical -1 position of intron 62 splice acceptor site of the ATM gene. This variant has been reported in a family affected with ATM-related cancers (PMID: 31843900). A functional study using RNA from the carrier individual has shown that this variant disrupts RNA splicing due to the activation of a cryptic splice acceptor site and results in a frameshift and premature truncation (PMID: 31843900). A different variant occurring at the same position, c.8988-1G>C, is known to be disease-causing due to its disruptive impact on RNA splicing (Clinvar variation ID: 181987). This variant has been identified in 2/1614166 chromosomes in the general population by the Genome Aggregation Database (gnomAD). Loss of ATM function is a known mechanism of disease. Based on the available evidence, this variant is classified as Pathogenic.

Ambry Genetics
Classification: Pathogenic for Hereditary cancer-predisposing syndrome. Last evaluated: 2025-12-05. Review status: criteria provided, single submitter. Criteria: Ambry Variant Classification Scheme 2023. Collection method: clinical testing. Allele origin: germline.
Comment: The c.8988-1G>A pathogenic mutation results from a G to A substitution one nucleotide upstream from coding exon 62 of the ATM gene. A similar alteration, c.8988-1G>C (also designated as IVS64-1G>C in the published literature), has been identified in two compound heterozygous patients with ataxia-telangiectasia and has been reported to result in activation of a cryptic acceptor site, leading to a deletion of 13 nucleotides (Teraoka SN et al. Am. J. Hum. Genet. 1999 Jun; 64(6):1617-31. Mitui M et al. Hum. Mutat. 2003 Jul; 22(1):43-50). In silico splice site analysis predicts that this alteration will weaken the native splice acceptor site and will result in the creation or strengthening of a novel splice acceptor site. RNA studies have demonstrated that this alteration results in abnormal splicing in the set of samples tested (Ambry internal data). This variant is considered to be rare based on population cohorts in the Genome Aggregation Database (gnomAD). Based on the supporting evidence, this alteration is interpreted as a disease-causing mutation.

Quest Diagnostics Nichols Institute San Juan Capistrano
Classification: Likely pathogenic. Last evaluated: 2025-04-25. Review status: criteria provided, single submitter. Criteria: Quest Diagnostics criteria. Collection method: clinical testing. Allele origin: unknown.
Comment: The ATM c.8988-1G>A variant disrupts a canonical splice-acceptor site and is predicted to interfere with normal ATM mRNA splicing. This variant has been reported in the published literature in individuals with prostate cancer (PMID: 31948886 (2020)) and adult granulosa cell tumors (AGCT) (PMID: 38898688 (2024)). This variant has not been reported in large, multi-ethnic general populations (Genome Aggregation Database). Based on the available information, this variant is classified as likely pathogenic.

GeneDx
Classification: Pathogenic. Last evaluated: 2024-07-23. Review status: criteria provided, single submitter. Criteria: GeneDx Variant Classification Process June 2021. Collection method: clinical testing. Allele origin: germline. Affected: yes.
Comment: Canonical splice site variant demonstrated to result in a null allele in a gene for which loss of function is a known mechanism of disease (PMID: 31843900); Not observed at significant frequency in large population cohorts (gnomAD); Identified in individual(s) with ATM-related cancer in published literature (PMID: 31948886); This variant is associated with the following publications: (PMID: 38854136, 31843900, 31948886, 38898688)

Institute for Genomic Medicine (IGM) Clinical Laboratory, Nationwide Children's Hospital
Classification: Pathogenic for ATM-related cancer predisposition. Last evaluated: 2024-04-29. Review status: criteria provided, single submitter. Criteria: ACMG Guidelines, 2015. Collection method: clinical testing. Allele origin: germline.
Comment: This variant is predicted to result in loss of function through nonsense-mediated decay of the encoded transcript or premature truncation of the encoded protein in a gene in which loss of function is a known mechanism of disease (ACMG/AMP: PVS1; PMID:9443866). A different nucleotide change resulting in the same amino acid substitution has been reported as pathogenic (ACMG/AMP: PS1). This variant is absent from or present at an exceedingly low frequency in gnomAD, a large-scale control population database (ACMG/AMP: PM2).

Myriad Genetics, Inc.
Classification: Likely pathogenic for Familial cancer of breast. Last evaluated: 2024-02-06. Review status: criteria provided, single submitter. Criteria: Myriad Autosomal Dominant, Autosomal Recessive and X-Linked Classification Criteria (2023). Collection method: clinical testing. Allele origin: unknown.
Comment: This variant is considered likely pathogenic. This variant occurs within a consensus splice junction and is predicted to result in abnormal mRNA splicing of either an out-of-frame exon or an in-frame exon necessary for protein stability and/or normal function.

Baylor Genetics
Classification: Pathogenic for Familial cancer of breast. Last evaluated: 2023-04-07. Review status: criteria provided, single submitter. Criteria: ACMG Guidelines, 2015. Collection method: clinical testing. Allele origin: unknown.

Women's Health and Genetics/Laboratory Corporation of America, LabCorp
Classification: Pathogenic for Ataxia-telangiectasia syndrome. Last evaluated: 2022-06-24. Review status: criteria provided, single submitter. Criteria: LabCorp Variant Classification Summary - May 2015. Collection method: clinical testing. Allele origin: germline.
Comment: Variant summary: ATM c.8988-1G>A is located in a canonical splice-site and is predicted to affect mRNA splicing resulting in a significantly altered protein due to either exon skipping, shortening, or inclusion of intronic material. Several computational tools predict a significant impact on normal splicing: Four predict the variant abolishes a 3' acceptor site. A cDNA sequencing assay has found that this variant affects mRNA splicing through the creation of a cryptic splice site, leading to a 13bp deletion which produces a frameshift and premature stop codon (Casadei_2019). The variant was absent in 251362 control chromosomes (gnomAD). c.8988-1G>A has been reported in the literature in individuals affected with prostate and familial cancer (e.g. Casadei_2019, Wu_2020). To our knowledge the variant has not been found in individuals affected with Ataxia-Telangiectasia, however a variant at the same location, c.8988-1G>C, has been reported in an individual affected by the disease (Teraoka_1999). Seven assessments for this variant have been submitted to ClinVar after 2014. Six submitters classified the variant as pathogenic and one classified it as likely pathogenic. Based on the evidence outlined above, the variant was classified as pathogenic.

Mendelics
Classification: Pathogenic for Familial cancer of breast. Last evaluated: 2022-05-04. Review status: criteria provided, single submitter. Criteria: Mendelics Assertion Criteria 2019. Collection method: clinical testing. Allele origin: germline.

Sema4
Classification: Likely pathogenic for Hereditary cancer-predisposing syndrome. Last evaluated: 2021-05-24. Review status: criteria provided, single submitter. Criteria: Sema4 Curation Guidelines. Collection method: curation. Allele origin: germline.
Comment: The ATM c.8988-1G>A variant has been reported in at least one individual with prostate cancer (PMID: 31948886). This variant is predicted to abolish the canonical splice site leading to an abnormal or absent protein. This variant is not reported in the Genome Aggregation Database (PMID: 32461654). The variant has been reported in ClinVar (Variation ID 219587). Based on the current evidence available, this variant is interpreted as likely pathogenic.

King Laboratory, University of Washington
Classification: Pathogenic for Familial cancer of breast. Last evaluated: 2019-09-01. Review status: no assertion criteria provided. Collection method: research. Allele origin: germline. Affected: yes. Not counted in ClinVar's aggregate classification.
Comment: Transcript analysis by cBROCA

Counsyl
Classification: Likely pathogenic for Ataxia-telangiectasia syndrome. Last evaluated: 2016-02-12. Review status: no assertion criteria provided. Collection method: clinical testing. Allele origin: unknown. Not counted in ClinVar's aggregate classification.

Clinical Genetics DNA and cytogenetics Diagnostics Lab, Erasmus MC, Erasmus Medical Center
Classification: Pathogenic. Review status: no assertion criteria provided. Collection method: clinical testing. Allele origin: germline. Affected: yes. Study: VKGL Data-share Consensus. Not counted in ClinVar's aggregate classification.

Genome Diagnostics Laboratory, University Medical Center Utrecht
Classification: Pathogenic. Review status: no assertion criteria provided. Collection method: clinical testing. Allele origin: germline. Affected: yes. Study: VKGL Data-share Consensus. Not counted in ClinVar's aggregate classification.

Literature cited by the submitters: PubMed 12552559 (cited by Labcorp Genetics (formerly Invitae), Labcorp); PubMed 27664052 (cited by Labcorp Genetics (formerly Invitae), Labcorp); PubMed 31843900 (cited by 3 submitters); PubMed 10330348 (cited by Ambry Genetics and Women's Health and Genetics/Laboratory Corporation of America, LabCorp); PubMed 12815592 (cited by Ambry Genetics); PubMed 9443866 (cited by Institute for Genomic Medicine (IGM) Clinical Laboratory, Nationwide Children's Hospital); PubMed 31948886 (cited by Women's Health and Genetics/Laboratory Corporation of America, LabCorp and Sema4).

NM_000051.4(ATM):c.8988-1G>A

Genes: ATM (ATM serine/threonine kinase; plus strand), C11orf65 (chromosome 11 open reading frame 65; minus strand). Cytogenetic location: 11q22.3.
Variant type: single nucleotide variant.
Coding change: c.8988-1G>A on transcript NM_000051.4 (MANE Select); the canonical splice acceptor site of the intron before coding-DNA position 8988, G replaced by A.
Molecular consequence: splice acceptor variant. On other transcripts: intron variant (2).
Genome position (GRCh38, 1-based): chr11:108,365,324, G>A. VCF-style: chr11-108365324-G-A. GRCh37 (hg19) VCF-style: chr11-108236051-G-A.
Other names: c.8988-1G>A (NM_001351834.2); c.640+20596C>T (NM_001330368.2); c.694+20596C>T (NM_001351110.2).
Identifiers: ClinVar variation 219587 (VCV000219587.34), dbSNP rs730881386, ClinGen allele CA348186.